The following is an entry in ClinVar:

ClinVar aggregate classification (germline): Pathogenic/Likely pathogenic. Review status: criteria provided, multiple submitters, no conflicts (2 of 4 stars). 7 submissions from 7 submitters: Pathogenic (3); Likely pathogenic (3). 1 of the submissions does not count toward it. Last evaluated 2026-09-08.

Conditions:
Fabry disease. Also called: ALPHA-GALACTOSIDASE A DEFICIENCY; ANDERSON-FABRY DISEASE; CERAMIDE TRIHEXOSIDASE DEFICIENCY; GLA DEFICIENCY; HEREDITARY DYSTOPIC LIPIDOSIS; Ceramide trihexosidosis. Identifiers: Orphanet 324, MedGen C0002986, MONDO:0010526, OMIM 301500, HP:0001071. Disease mechanism: Fabry disease is due to inactivating mutations in the X-linked GLA gene resulting in deficiency of the enzyme Alpha Galactosidase-A., loss of function.
Hypertrophic cardiomyopathy. Also called: HYPERTROPHIC MYOCARDIOPATHY. Identifiers: Orphanet 217569, MedGen C0007194, MeSH D002312, MONDO:0005045, HP:0001639.

Submissions (7):

Genomenon, Inc
Classification: Pathogenic for Fabry disease. Last evaluated: 2026-09-08. Review status: criteria provided, single submitter. Criteria: Genomenon Sequence Variant Interpretation Standards - Updated. Collection method: curation. Allele origin: germline. Affected: yes.
Comment: GLA p.Gly373Ser (c.1117G>A) is a missense variant that changes the amino acid at codon 373 from Glycine to Serine. This variant has been observed in at least one proband with clinical features consistent with Fabry disease (PMID:33915609;25974833;32948848;30723321;25149322;32843101;31262606;9105656;27657681;30988410;28649509). The variant was found to segregate with disease in at least one affected family (PMID:32948848). At least one functional study has demonstrated a substantial alteration in protein function relative to the wild-type (PMID:30723321;27657681). It is absent or not present at a significant frequency in gnomAD. In silico models predict that this variant is possibly or probably damaging. In conclusion, we classify GLA p.Gly373Ser (c.1117G>A) as a pathogenic variant.

Women's Health and Genetics/Laboratory Corporation of America, LabCorp
Classification: Pathogenic for Fabry disease. Last evaluated: 2022-08-05. Review status: criteria provided, single submitter. Criteria: LabCorp Variant Classification Summary - May 2015. Collection method: clinical testing. Allele origin: germline.
Comment: Variant summary: GLA c.1117G>A (p.Gly373Ser) results in a non-conservative amino acid change located in the Alpha galactosidase A, C-terminal beta-sandwich domain (IPR035373) of the encoded protein sequence. Three of five in-silico tools predict a damaging effect of the variant on protein function. The variant was absent in 183441 control chromosomes (gnomAD). c.1117G>A has been reported in the literature in multiple individuals affected with classic- or later onset Fabry Disease (e.g. Okumiya_1995, Thurberg_2017, Coutinho_2017, Kobayashi_2019, Bichet_2021) and also with hypertrophic cardiomyopathy (Alfares_2015, Walsh_2017). These data indicate that the variant is very likely to be associated with disease. Publications also reported experimental evidence evaluating an impact on protein function, and demonstrated severely decreased enzyme activity (Okumiya_1995, Ishii_2007, Bichet_2021). Four clinical diagnostic laboratories have submitted clinical-significance assessments for this variant to ClinVar after 2014 without evidence for independent evaluation. All laboratories classified the variant as pathogenic (n=1) / likely pathogenic (n=3). Based on the evidence outlined above, the variant was classified as pathogenic.

Genome-Nilou Lab
Classification: Likely pathogenic for Fabry disease. Last evaluated: 2021-07-15. Review status: criteria provided, single submitter. Criteria: ACMG Guidelines, 2015. Collection method: clinical testing. Allele origin: germline. Affected: no.

Revvity Omics, Revvity
Classification: Likely pathogenic. Last evaluated: 2020-08-17. Review status: criteria provided, single submitter. Criteria: ACMG Guidelines, 2015. Collection method: clinical testing. Allele origin: germline.

Mendelics
Classification: Pathogenic for Fabry disease. Last evaluated: 2019-05-28. Review status: criteria provided, single submitter. Criteria: Mendelics Assertion Criteria 2017. Collection method: clinical testing. Allele origin: unknown.

Eurofins Ntd Llc (ga)
Classification: Likely pathogenic. Last evaluated: 2018-06-18. Review status: criteria provided, single submitter. Criteria: EGL ClinVar v180209 classification definitions. Collection method: clinical testing. Allele origin: germline. Observed: 4 variant alleles, 3 heterozygotes, 1 hemizygote.

Laboratory for Molecular Medicine, Mass General Brigham Personalized Medicine
Classification: Likely pathogenic for Hypertrophic cardiomyopathy; Fabry disease. Last evaluated: 2013-02-11. Review status: no assertion criteria provided. Collection method: clinical testing. Allele origin: germline. Inheritance: X-linked inheritance. Observed: 1 variant allele. Not counted in ClinVar's aggregate classification.
Comment: proposed classification - variant undergoing re-assessment, contact laboratory

Literature cited by the submitters: PubMed 33915609 (cited by Genomenon, Inc); PubMed 25974833 (cited by Genomenon, Inc); PubMed 32948848 (cited by Genomenon, Inc); PubMed 30723321 (cited by Genomenon, Inc); PubMed 25149322 (cited by Genomenon, Inc); PubMed 32843101 (cited by Genomenon, Inc); PubMed 31262606 (cited by Genomenon, Inc); PubMed 9105656 (cited by Genomenon, Inc); PubMed 27657681 (cited by Genomenon, Inc); PubMed 30988410 (cited by Genomenon, Inc and Women's Health and Genetics/Laboratory Corporation of America, LabCorp); PubMed 28649509 (cited by Genomenon, Inc and Women's Health and Genetics/Laboratory Corporation of America, LabCorp); PubMed 17555407 (cited by Women's Health and Genetics/Laboratory Corporation of America, LabCorp and Laboratory for Molecular Medicine, Mass General Brigham Personalized Medicine); PubMed 24386359 (cited by Women's Health and Genetics/Laboratory Corporation of America, LabCorp); PubMed 25382311 (cited by Women's Health and Genetics/Laboratory Corporation of America, LabCorp); PubMed 25611685 (cited by Women's Health and Genetics/Laboratory Corporation of America, LabCorp); PubMed 27532257 (cited by Women's Health and Genetics/Laboratory Corporation of America, LabCorp); PubMed 7575533 (cited by Women's Health and Genetics/Laboratory Corporation of America, LabCorp and Laboratory for Molecular Medicine, Mass General Brigham Personalized Medicine); PubMed 34401344 (cited by Women's Health and Genetics/Laboratory Corporation of America, LabCorp); PubMed 11914245 (cited by Laboratory for Molecular Medicine, Mass General Brigham Personalized Medicine).

NM_000169.3(GLA):c.1117G>A (p.Gly373Ser)

Genes: RPL36A-HNRNPH2 (RPL36A-HNRNPH2 readthrough; plus strand), GLA (galactosidase alpha; minus strand). Cytogenetic location: Xq22.1.
Variant type: single nucleotide variant.
Coding change: c.1117G>A on transcript NM_000169.3 (MANE Select); coding-DNA position 1117, G replaced by A.
Protein change: p.Gly373Ser; replaces glycine 373 with serine.
Molecular consequence: missense variant. On other transcripts: non-coding transcript variant (3), intron variant (2).
Genome position (GRCh38, 1-based): chrX:101,397,982, C>T on the plus strand (G>A on the coding strand, the complement: GLA is on the minus strand). VCF-style: chrX-101397982-C-T. GRCh37 (hg19) VCF-style: chrX-100652970-C-T.
Other names: c.1240G>A, p.Gly414Ser (NM_001406747.1); c.300+2525C>T (NM_001199973.2); c.177+6160C>T (NM_001199974.2); short protein forms G373S, G414S.
Identifiers: ClinVar variation 177834 (VCV000177834.20), dbSNP rs727504348, ClinGen allele CA021403.